The following is an entry in ClinVar:

NM_001194.4(HCN2):c.1573C>T (p.Pro525Ser)

Gene: HCN2 (hyperpolarization activated cyclic nucleotide gated potassium and sodium channel 2; plus strand). Cytogenetic location: 19p13.3.
Variant type: single nucleotide variant.
Coding change: c.1573C>T on transcript NM_001194.4 (MANE Select); coding-DNA position 1573, C replaced by T.
Protein change: p.Pro525Ser; replaces proline 525 with serine.
Molecular consequence: missense variant.
Genome position (GRCh38, 1-based): chr19:610,394, C>T. VCF-style: chr19-610394-C-T. GRCh37 (hg19) VCF-style: chr19-610394-C-T.
Other names: short protein forms P525S.
Identifiers: ClinVar variation 3250983 (VCV003250983.18), dbSNP rs900889696.

ClinVar aggregate classification (germline): Uncertain significance (1 of 4 stars; one submission).

Allele frequency attached by ClinVar (database versions not stated): gnomAD exomes below 0.00001.

Submission:

CeGaT Center for Human Genetics Tuebingen
Classification: Uncertain significance. Last evaluated: 2024-06-01. Review status: criteria provided, single submitter. Criteria: CeGaT Center For Human Genetics Tuebingen Variant Classification Criteria Version 2. Collection method: clinical testing. Allele origin: germline. Affected: yes. Observed: 1 variant allele.
Comment: HCN2: PM2, PP2, PP3